The following is an entry in ClinVar:

NM_004364.5(CEBPA):c.225C>A (p.Asp75Glu)

Gene: CEBPA (CCAAT enhancer binding protein alpha; minus strand). Cytogenetic location: 19q13.11.
Variant type: single nucleotide variant.
Coding change: c.225C>A on transcript NM_004364.5 (MANE Select); coding-DNA position 225, C replaced by A.
Protein change: p.Asp75Glu; replaces aspartic acid 75 with glutamic acid.
Molecular consequence: missense variant. On other transcripts: 5 prime UTR variant (1).
Genome position (GRCh38, 1-based): chr19:33,302,190, G>T on the plus strand (C>A on the coding strand, the complement: CEBPA is on the minus strand). VCF-style: chr19-33302190-G-T. GRCh37 (hg19) VCF-style: chr19-33793096-G-T.
Other names: c.-133C>A (NM_001285829.2); c.330C>A, p.Asp110Glu (NM_001287424.2); c.183C>A, p.Asp61Glu (NM_001287435.2); c.225C>A (NM_004364.3); short protein forms D110E, D61E, D75E.
Identifiers: ClinVar variation 1445948 (VCV001445948.9), dbSNP rs949548349, ClinGen allele CA307844404.

ClinVar aggregate classification (germline): Uncertain significance. Review status: criteria provided, multiple submitters, no conflicts (2 of 4 stars). 2 submissions from 2 submitters: Uncertain significance (2). Last evaluated 2025-12-14.

Conditions:
Acute myeloid leukemia (AML). Also called: Leukemia, acute myeloid, somatic; Leukemia, acute myelogenous, somatic; Acute myeloid leukemia, adult; AML adult; Acute non-lymphocytic leukemia; Acute granulocytic leukemia. Identifiers: Orphanet 519, MedGen C0023467, MeSH D015470, MONDO:0018874, OMIM 601626, HP:0004808. Disease mechanism: Constitutively activated FLT3.
Inborn genetic diseases. Identifiers: MedGen C0950123, MeSH D030342.

Submissions (2):

Ambry Genetics
Classification: Uncertain significance for Inborn genetic diseases. Last evaluated: 2025-12-14. Review status: criteria provided, single submitter. Criteria: Ambry Variant Classification Scheme 2023. Collection method: clinical testing. Allele origin: germline.
Comment: The p.D75E variant (also known as c.225C>A), located in coding exon 1 of the CEBPA gene, results from a C to A substitution at nucleotide position 225. The aspartic acid at codon 75 is replaced by glutamic acid, an amino acid with highly similar properties. This amino acid position is conserved. In addition, this alteration is predicted to be tolerated by in silico analysis. Based on the available evidence, the clinical significance of this variant remains unclear.

Labcorp Genetics (formerly Invitae), Labcorp
Classification: Uncertain significance for Acute myeloid leukemia. Last evaluated: 2021-08-27. Review status: criteria provided, single submitter. Criteria: Invitae Variant Classification Sherloc (09022015). Collection method: clinical testing. Allele origin: germline.
Comment: In summary, the available evidence is currently insufficient to determine the role of this variant in disease. Therefore, it has been classified as a Variant of Uncertain Significance. Algorithms developed to predict the effect of missense changes on protein structure and function are either unavailable or do not agree on the potential impact of this missense change (SIFT: "Tolerated"; PolyPhen-2: "Probably Damaging"; Align-GVGD: "Class C0"). This variant has not been reported in the literature in individuals with CEBPA-related conditions. The frequency data for this variant in the population databases is considered unreliable, as metrics indicate insufficient coverage at this position in the ExAC database. This sequence change replaces aspartic acid with glutamic acid at codon 75 of the CEBPA protein (p.Asp75Glu). The aspartic acid residue is moderately conserved and there is a small physicochemical difference between aspartic acid and glutamic acid.